The following is an entry in ClinVar:

ClinVar aggregate classification (germline): Uncertain significance (1 of 4 stars; one submission).

Submission:

Ambry Genetics
Classification: Uncertain significance. Last evaluated: 2023-05-04. Review status: criteria provided, single submitter. Criteria: Ambry Variant Classification Scheme 2023. Collection method: clinical testing. Allele origin: germline.
Comment: The p.G400V variant (also known as c.1199G>T), located in coding exon 8 of the POLQ gene, results from a G to T substitution at nucleotide position 1199. The glycine at codon 400 is replaced by valine, an amino acid with dissimilar properties. This amino acid position is conserved. In addition, the in silico prediction for this alteration is inconclusive. Since supporting evidence is limited at this time, the clinical significance of this alteration remains unclear.

NM_199420.4(POLQ):c.1199G>T (p.Gly400Val)

Gene: POLQ (DNA polymerase theta; minus strand). Cytogenetic location: 3q13.33.
Variant type: single nucleotide variant.
Coding change: c.1199G>T on transcript NM_199420.4 (MANE Select); coding-DNA position 1199, G replaced by T.
Protein change: p.Gly400Val; replaces glycine 400 with valine.
Molecular consequence: missense variant.
Genome position (GRCh38, 1-based): chr3:121,522,059, C>A on the plus strand (G>T on the coding strand, the complement: POLQ is on the minus strand). VCF-style: chr3-121522059-C-A. GRCh37 (hg19) VCF-style: chr3-121240906-C-A.
Other names: short protein forms G400V.
Identifiers: ClinVar variation 2563829 (VCV002563829.2), dbSNP rs2546811605, ClinGen allele CA354121558.
Genomic context (GRCh38, chr3:121,522,059, plus strand): 5'-ATACCTGCATGATGAAATGCTACTCCCCATGGTACAGTTTTCTGTAATACAGAGTCCAGT[C>A]CTGAAGGCAAACGTCTTAACTGATCCATCACTTCCAGGAGTTCTTTTTGTTCCAGAATTA-3'
Protein context (NP_955452.3, residues 390-410): VMDQLRRLPS[Gly400Val]LDSVLQKTVP